The following is an entry in ClinVar:

NC_000022.10:g.(?_33984774)_(34022277_?)del

Gene: LARGE1 (LARGE xylosyl- and glucuronyltransferase 1; minus strand). Cytogenetic location: 22q12.3.
Variant type: Deletion.
Identifiers: ClinVar variation 3247712 (VCV003247712.1).

ClinVar aggregate classification (germline): Likely pathogenic (1 of 4 stars; one submission).

Conditions:
Muscular dystrophy-dystroglycanopathy type B6 (MDDGB6). Also called: MUSCULAR DYSTROPHY-DYSTROGLYCANOPATHY (CONGENITAL WITH IMPAIRED INTELLECTUAL DEVELOPMENT), TYPE B, 6; MUSCULAR DYSTROPHY, CONGENITAL, LARGE-RELATED; MUSCULAR DYSTROPHY, CONGENITAL, TYPE 1D. Identifiers: MedGen C1837229, MONDO:0012138, OMIM 608840.

Submission:

Labcorp Genetics (formerly Invitae), Labcorp
Classification: Likely pathogenic for Muscular dystrophy-dystroglycanopathy type B6. Last evaluated: 2023-04-13. Review status: criteria provided, single submitter. Criteria: Invitae Variant Classification Sherloc (09022015). Collection method: clinical testing. Allele origin: unknown.
Comment: In summary, the currently available evidence indicates that the variant is pathogenic, but additional data are needed to prove that conclusively. Therefore, this variant has been classified as Likely Pathogenic. This variant has not been reported in the literature in individuals affected with LARGE1-related conditions. This variant results in the deletion of exon 6 and part of exon 5 (c.442_615+15647del) of the LARGE1 gene. It is expected to disrupt RNA splicing. Variants that disrupt the donor or acceptor splice site typically lead to a loss of protein function (PMID: 16199547), and loss-of-function variants in LARGE1 are known to be pathogenic (PMID: 12966029, 17878207).

Literature cited by the submitters: PubMed 16199547; PubMed 12966029; PubMed 17878207.